The following is an entry in ClinVar:

NM_006389.5(HYOU1):c.1765A>G (p.Thr589Ala)

Gene: HYOU1 (hypoxia up-regulated 1; minus strand). Cytogenetic location: 11q23.3.
Variant type: single nucleotide variant.
Coding change: c.1765A>G on transcript NM_006389.5 (MANE Select); coding-DNA position 1765, A replaced by G.
Protein change: p.Thr589Ala; replaces threonine 589 with alanine.
Molecular consequence: missense variant.
Genome position (GRCh38, 1-based): chr11:119,049,597, T>C on the plus strand (A>G on the coding strand, the complement: HYOU1 is on the minus strand). VCF-style: chr11-119049597-T-C. GRCh37 (hg19) VCF-style: chr11-118920309-T-C.
Other names: c.1765A>G, p.Thr589Ala (NM_001130991.3, NM_001411041.1); short protein forms T589A.
Identifiers: ClinVar variation 2755632 (VCV002755632.3), dbSNP rs2497137023, ClinGen allele CA382932963.
Genomic context (GRCh38, chr11:119,049,597, plus strand): 5'-GGCTCCATCCTGAACTCACCTGGACAGTATCAGTACCATTCTCCTTGGCATCTGGTGTGG[T>C]ACCGCCTCCAAACAGGCTGGAAATGGTGTTGCCAAGTTCTAGGGGGAGTAAAACCCAAAG-3'
Protein context (NP_006380.1, residues 579-599): NTISSLFGGG[Thr589Ala]TPDAKENGTD

ClinVar aggregate classification (germline): Uncertain significance (1 of 4 stars; one submission).

gnomAD v4.1: 2 of 1,614,150 alleles (0.00012%); highest among the groups gnomAD compares: Non-Finnish European, 0.00017%; no homozygotes.

Submission:

Labcorp Genetics (formerly Invitae), Labcorp
Classification: Uncertain significance. Last evaluated: 2023-08-27. Review status: criteria provided, single submitter. Criteria: Invitae Variant Classification Sherloc (09022015). Collection method: clinical testing. Allele origin: germline.
Comment: In summary, the available evidence is currently insufficient to determine the role of this variant in disease. Therefore, it has been classified as a Variant of Uncertain Significance. Algorithms developed to predict the effect of missense changes on protein structure and function output the following: SIFT: "Not Available"; PolyPhen-2: "Benign"; Align-GVGD: "Not Available". The alanine amino acid residue is found in multiple mammalian species, which suggests that this missense change does not adversely affect protein function. This variant has not been reported in the literature in individuals affected with HYOU1-related conditions. This variant is not present in population databases (gnomAD no frequency). This sequence change replaces threonine, which is neutral and polar, with alanine, which is neutral and non-polar, at codon 589 of the HYOU1 protein (p.Thr589Ala).